The following is an entry in ClinVar:

ClinVar aggregate classification (germline): Uncertain significance (1 of 4 stars; one submission).

Conditions:
Ullrich congenital muscular dystrophy 2 (UCMD2). Identifiers: Orphanet 75840, MedGen C4225314, MONDO:0014654, OMIM 616470.
Bethlem myopathy 2 (BTHLM2). Identifiers: Orphanet 536516, Orphanet 610, MedGen C4225313, MONDO:0034022, OMIM 616471.

Submission:

Labcorp Genetics (formerly Invitae), Labcorp
Classification: Uncertain significance for Bethlem myopathy 2; Ullrich congenital muscular dystrophy 2. Last evaluated: 2024-04-29. Review status: criteria provided, single submitter. Criteria: Invitae Variant Classification Sherloc (09022015). Collection method: clinical testing. Allele origin: germline.
Comment: This sequence change replaces threonine, which is neutral and polar, with alanine, which is neutral and non-polar, at codon 1124 of the COL12A1 protein (p.Thr1124Ala). This variant is not present in population databases (gnomAD no frequency). This variant has not been reported in the literature in individuals affected with COL12A1-related conditions. Advanced modeling of protein sequence and biophysical properties (such as structural, functional, and spatial information, amino acid conservation, physicochemical variation, residue mobility, and thermodynamic stability) performed at Invitae indicates that this missense variant is not expected to disrupt COL12A1 protein function with a negative predictive value of 80%. In summary, the available evidence is currently insufficient to determine the role of this variant in disease. Therefore, it has been classified as a Variant of Uncertain Significance.

NM_004370.6(COL12A1):c.3370A>G (p.Thr1124Ala)

Gene: COL12A1 (collagen type XII alpha 1 chain; minus strand). Cytogenetic location: 6q13.
Variant type: single nucleotide variant.
Coding change: c.3370A>G on transcript NM_004370.6 (MANE Select); coding-DNA position 3370, A replaced by G.
Protein change: p.Thr1124Ala; replaces threonine 1124 with alanine.
Molecular consequence: missense variant. On other transcripts: intron variant (2).
Genome position (GRCh38, 1-based): chr6:75,155,735, T>C on the plus strand (A>G on the coding strand, the complement: COL12A1 is on the minus strand). VCF-style: chr6-75155735-T-C. GRCh37 (hg19) VCF-style: chr6-75865451-T-C.
Other names: c.3370A>G, p.Thr1124Ala (NM_001424113.1, NM_001424114.1); c.3097A>G, p.Thr1033Ala (NM_001424115.1); c.74-3253A>G (NM_001424116.1, NM_080645.3); short protein forms T1033A, T1124A.
Identifiers: ClinVar variation 3750679 (VCV003750679.2).